The following is an entry in ClinVar:

NM_001005361.3(DNM2):c.2527C>T (p.Pro843Ser)

Gene: DNM2 (dynamin 2; plus strand). Cytogenetic location: 19p13.2.
Variant type: single nucleotide variant.
Coding change: c.2527C>T on transcript NM_001005361.3 (MANE Select); coding-DNA position 2527, C replaced by T.
Protein change: p.Pro843Ser; replaces proline 843 with serine.
Molecular consequence: missense variant.
Genome position (GRCh38, 1-based): chr19:10,830,362, C>T. VCF-style: chr19-10830362-C-T. GRCh37 (hg19) VCF-style: chr19-10941038-C-T.
Other names: c.2527C>T, p.Pro843Ser (NM_001005360.3, NM_001190716.2); c.2515C>T, p.Pro839Ser (NM_001005362.3, NM_004945.4); short protein forms P843S, P839S.
Identifiers: ClinVar variation 1390828 (VCV001390828.6), dbSNP rs2146210571, ClinGen allele CA404044360.
Genomic context (GRCh38, chr19:10,830,362, plus strand): 5'-GACCTCTTCCCAGCCCCGCCTCAGATCCCATCTCGGCCAGTTCGGATCCCCCCAGGGATT[C>T]CCCCAGGAGTGCCCAGGTAAGGCCAACCCCCTGCCCTCCACCCCAACTGCCTGCACCCTG-3'
Protein context (NP_001005361.1, residues 833-853): SRPVRIPPGI[Pro843Ser]PGVPSRRPPA

ClinVar aggregate classification (germline): Uncertain significance (1 of 4 stars; one submission).

Conditions:
Charcot-Marie-Tooth disease dominant intermediate B (CMTDIB). Also called: CHARCOT-MARIE-TOOTH NEUROPATHY, DOMINANT INTERMEDIATE B; Charcot-Marie-Tooth disease dominant intermediate 1; CMT DI1; Charcot-Marie-Tooth disease dominant intermediate I. Identifiers: Orphanet 100044, Orphanet 228179, MedGen C1847902, MONDO:0011674, OMIM 606482.

Allele frequency attached by ClinVar (database versions not stated): gnomAD exomes below 0.00001.
gnomAD v4.1: 1 of 1,611,138 alleles (0.000062%); highest among the groups gnomAD compares: Non-Finnish European, 0.000085%; no homozygotes.

Submission:

Labcorp Genetics (formerly Invitae), Labcorp
Classification: Uncertain significance for Charcot-Marie-Tooth disease dominant intermediate B. Last evaluated: 2022-03-22. Review status: criteria provided, single submitter. Criteria: Invitae Variant Classification Sherloc (09022015). Collection method: clinical testing. Allele origin: germline.
Comment: In summary, the available evidence is currently insufficient to determine the role of this variant in disease. Therefore, it has been classified as a Variant of Uncertain Significance. Algorithms developed to predict the effect of missense changes on protein structure and function are either unavailable or do not agree on the potential impact of this missense change (SIFT: "Tolerated"; PolyPhen-2: "Not Available"; Align-GVGD: "Class C0"). This missense change has been observed in at least one individual who was not affected with DNM2-related conditions (Invitae). This variant has not been reported in the literature in individuals affected with DNM2-related conditions. This variant is not present in population databases (gnomAD no frequency). This sequence change replaces proline, which is neutral and non-polar, with serine, which is neutral and polar, at codon 843 of the DNM2 protein (p.Pro843Ser).